The following is an entry in ClinVar:

NM_001369.3(DNAH5):c.1320+2T>C

Gene: DNAH5 (dynein axonemal heavy chain 5; minus strand). Cytogenetic location: 5p15.2.
Variant type: single nucleotide variant.
Coding change: c.1320+2T>C on transcript NM_001369.3 (MANE Select); the canonical splice donor site of the intron after coding-DNA position 1320, T replaced by C.
Molecular consequence: splice donor variant.
Genome position (GRCh38, 1-based): chr5:13,914,518, A>G on the plus strand (T>C on the coding strand, the complement: DNAH5 is on the minus strand). VCF-style: chr5-13914518-A-G. GRCh37 (hg19) VCF-style: chr5-13914627-A-G.
Identifiers: ClinVar variation 2833714 (VCV002833714.3), dbSNP rs2547129339, ClinGen allele CA359214701.

ClinVar aggregate classification (germline): Pathogenic (1 of 4 stars; one submission).

Conditions:
Primary ciliary dyskinesia. Also called: Ciliary dyskinesia. Identifiers: Orphanet 244, MedGen C0008780, MONDO:0016575, HP:0012265.

Submission:

Labcorp Genetics (formerly Invitae), Labcorp
Classification: Pathogenic for Primary ciliary dyskinesia. Last evaluated: 2023-04-07. Review status: criteria provided, single submitter. Criteria: Invitae Variant Classification Sherloc (09022015). Collection method: clinical testing. Allele origin: germline.
Comment: For these reasons, this variant has been classified as Pathogenic. Algorithms developed to predict the effect of sequence changes on RNA splicing suggest that this variant may disrupt the consensus splice site. Disruption of this splice site has been observed in individual(s) with primary ciliary dyskinesia (Invitae). This variant is not present in population databases (gnomAD no frequency). This sequence change affects a donor splice site in intron 10 of the DNAH5 gene. It is expected to disrupt RNA splicing. Variants that disrupt the donor or acceptor splice site typically lead to a loss of protein function (PMID: 16199547), and loss-of-function variants in DNAH5 are known to be pathogenic (PMID: 11788826, 16627867).

Literature cited by the submitters: PubMed 16199547; PubMed 11788826; PubMed 16627867.